The following is an entry in ClinVar:

ClinVar aggregate classification (germline): Uncertain significance. Review status: criteria provided, multiple submitters, no conflicts (2 of 4 stars). 5 submissions from 5 submitters: Uncertain significance (4). 1 of the submissions does not count toward it. Last evaluated 2025-05-01.

Conditions:
Inborn genetic diseases. Identifiers: MedGen C0950123, MeSH D030342.
Autosomal recessive nonsyndromic hearing loss 77. Identifiers: Orphanet 90636, MedGen C2746083, MONDO:0013119, OMIM 613079.

Allele frequency attached by ClinVar (database versions not stated): gnomAD 0.00004; gnomAD exomes 0.00005 and 0.00013; TOPMed 0.00005; ExAC 0.00013.

Submissions (5):

Ambry Genetics
Classification: Uncertain significance for Inborn genetic diseases. Last evaluated: 2025-05-01. Review status: criteria provided, single submitter. Criteria: Ambry Variant Classification Scheme 2023. Collection method: clinical testing. Allele origin: germline.

GeneDx
Classification: Uncertain significance. Last evaluated: 2025-04-30. Review status: criteria provided, single submitter. Criteria: GeneDx Variant Classification Process June 2021. Collection method: clinical testing. Allele origin: germline. Affected: yes.
Comment: In silico analysis supports that this missense variant has a deleterious effect on protein structure/function; Has not been previously published as pathogenic or benign to our knowledge

Labcorp Genetics (formerly Invitae), Labcorp
Classification: Uncertain significance. Last evaluated: 2021-09-17. Review status: criteria provided, single submitter. Criteria: Invitae Variant Classification Sherloc (09022015). Collection method: clinical testing. Allele origin: germline.
Comment: This sequence change replaces arginine with tryptophan at codon 96 of the LOXHD1 protein (p.Arg96Trp). The arginine residue is weakly conserved and there is a moderate physicochemical difference between arginine and tryptophan. This variant is present in population databases (rs397517861, ExAC 0.04%). This variant has not been reported in the literature in individuals affected with LOXHD1-related conditions. ClinVar contains an entry for this variant (Variation ID: 47931). Algorithms developed to predict the effect of missense changes on protein structure and function are either unavailable or do not agree on the potential impact of this missense change (SIFT: "Deleterious"; PolyPhen-2: "Not Available"; Align-GVGD: "Class C0"). In summary, the available evidence is currently insufficient to determine the role of this variant in disease. Therefore, it has been classified as a Variant of Uncertain Significance.

Laboratory for Molecular Medicine, Mass General Brigham Personalized Medicine
Classification: Uncertain significance. Last evaluated: 2013-02-02. Review status: criteria provided, single submitter. Criteria: LMM Criteria. Collection method: clinical testing. Allele origin: germline. Observed: 1 variant allele.
Comment: The Arg96Trp variant in LOXHD1 has not been reported in the literature nor previ ously identified by our laboratory. Computational analyses (biochemical amino ac id properties, conservation, AlignGVGD, PolyPhen2, and SIFT) suggest that the Ar g96Trp variant may impact the protein, though this information is not predictive enough to determine pathogenicity. Additional data is needed to determine the c linical significance of this variant.

Natera, Inc.
Classification: Uncertain significance for Autosomal recessive deafness type 77. Last evaluated: 2020-02-12. Review status: no assertion criteria provided. Collection method: clinical testing. Allele origin: germline. Not counted in ClinVar's aggregate classification.

NM_001384474.1(LOXHD1):c.286C>T (p.Arg96Trp)

Gene: LOXHD1 (lipoxygenase homology PLAT domains 1; minus strand). Cytogenetic location: 18q21.1.
Variant type: single nucleotide variant.
Coding change: c.286C>T on transcript NM_001384474.1 (MANE Select); coding-DNA position 286, C replaced by T.
Protein change: p.Arg96Trp; replaces arginine 96 with tryptophan.
Molecular consequence: missense variant.
Genome position (GRCh38, 1-based): chr18:46,641,996, G>A on the plus strand (C>T on the coding strand, the complement: LOXHD1 is on the minus strand). VCF-style: chr18-46641996-G-A. GRCh37 (hg19) VCF-style: chr18-44221959-G-A.
Other names: c.286C>T, p.Arg96Trp (NM_144612.7); short protein forms R96W.
Identifiers: ClinVar variation 47931 (VCV000047931.10), dbSNP rs397517861, ClinGen allele CA142208.